The following is an entry in ClinVar:

ClinVar aggregate classification (germline): Conflicting classifications of pathogenicity. Review status: criteria provided, conflicting classifications (1 of 4 stars). 2 submissions from 2 submitters: Uncertain significance (1); Likely benign (1). Last evaluated 2023-12-06.

Conditions:
Primary ciliary dyskinesia. Also called: Ciliary dyskinesia. Identifiers: Orphanet 244, MedGen C0008780, MONDO:0016575, HP:0012265.

Allele frequency attached by ClinVar (database versions not stated): gnomAD exomes below 0.00001 and 0.00001; TOPMed 0.00001; ExAC 0.00002.
gnomAD v4.1: 16 of 1,606,144 alleles (0.001%); highest among the groups gnomAD compares: Non-Finnish European, 0.00085%; no homozygotes.

Submissions (2):

Labcorp Genetics (formerly Invitae), Labcorp
Classification: Likely benign for Primary ciliary dyskinesia. Last evaluated: 2023-12-06. Review status: criteria provided, single submitter. Criteria: Invitae Variant Classification Sherloc (09022015). Collection method: clinical testing. Allele origin: germline.

Ambry Genetics
Classification: Uncertain significance for Primary ciliary dyskinesia. Last evaluated: 2014-09-14. Review status: criteria provided, single submitter. Criteria: Ambry Variant Classification Scheme 2023. Collection method: clinical testing. Allele origin: germline.
Comment: The p.D2948N variant (also known as c.8842G>A), located in coding exon 54 of the DNAH11 gene, results from a G to A substitution at nucleotide position 8842. The aspartic acid at codon 2948 is replaced by asparagine, an amino acid with highly similar properties. This variant was not reported in population based cohorts in the following databases: Database of Single Nucleotide Polymorphisms (dbSNP), NHLBI Exome Sequencing Project (ESP), and 1000 Genomes Project. In the ESP, this variant was not observed in 5960 samples (11920 alleles) with coverage at this position. This amino acid position is well conserved in available vertebrate species. In addition, this alteration is predicted to be probably damaging but tolerated by PolyPhen and SIFT in silico analyses, respectively. Since supporting evidence is limited at this time, the clinical significance of this variant remains unclear.

NM_001277115.2(DNAH11):c.8821G>A (p.Asp2941Asn)

Gene: DNAH11 (dynein axonemal heavy chain 11; plus strand). Cytogenetic location: 7p15.3.
Variant type: single nucleotide variant.
Coding change: c.8821G>A on transcript NM_001277115.2 (MANE Select); coding-DNA position 8821, G replaced by A.
Protein change: p.Asp2941Asn; replaces aspartic acid 2941 with asparagine.
Molecular consequence: missense variant.
Genome position (GRCh38, 1-based): chr7:21,750,245, G>A. VCF-style: chr7-21750245-G-A. GRCh37 (hg19) VCF-style: chr7-21789863-G-A.
Other names: c.8842G>A (NM_003777.3); short protein forms D2941N.
Identifiers: ClinVar variation 1064275 (VCV001064275.11), dbSNP rs776368544, ClinGen allele CA4181759.